The following is an entry in ClinVar:

NM_017780.4(CHD7):c.8020G>A (p.Glu2674Lys)

Gene: CHD7 (chromodomain helicase DNA binding protein 7; plus strand). Cytogenetic location: 8q12.2.
Variant type: single nucleotide variant.
Coding change: c.8020G>A on transcript NM_017780.4 (MANE Select); coding-DNA position 8020, G replaced by A.
Protein change: p.Glu2674Lys; replaces glutamic acid 2674 with lysine.
Molecular consequence: missense variant.
Genome position (GRCh38, 1-based): chr8:60,862,596, G>A. VCF-style: chr8-60862596-G-A. GRCh37 (hg19) VCF-style: chr8-61775155-G-A.
Other names: c.1873G>A, p.Glu625Lys (NM_001316690.1); short protein forms E2674K, E625K.
Identifiers: ClinVar variation 957680 (VCV000957680.9), dbSNP rs1586462940, ClinGen allele CA371305867.
Genomic context (GRCh38, chr8:60,862,596, plus strand): 5'-GCCTCTACCCAGATGGGTGGAGCTATGGCGCCTCCAATGAAGGATCTACCCAGGTGGCTG[G>A]AAGAAAATCCTGAATTTGCAGTTGCTCCAGACTGGACTGATATAGTTAAGCAGTCTGTAA-3'
Protein context (NP_060250.2, residues 2664-2684): PPMKDLPRWL[Glu2674Lys]ENPEFAVAPD

ClinVar aggregate classification (germline): Uncertain significance (1 of 4 stars; one submission).

Conditions:
CHARGE syndrome (CHARGE). Also called: Hittner Hirsch Kreh syndrome; Coloboma, heart anomaly, choanal atresia, retardation, genital and ear anomalies; CHARGE association; Hall-Hittner syndrome; CHARGE ASSOCIATION--COLOBOMA, HEART ANOMALY, CHOANAL ATRESIA, RETARDATION, GENITAL AND EAR ANOMALIES. Identifiers: Orphanet 138, MedGen C0265354, MONDO:0008965.

Allele frequency attached by ClinVar (database versions not stated): gnomAD exomes below 0.00001.
gnomAD v4.1: 1 of 1,578,268 alleles (0.000063%); highest among the groups gnomAD compares: Non-Finnish European, 0.000086%; no homozygotes.

Submission:

Labcorp Genetics (formerly Invitae), Labcorp
Classification: Uncertain significance for CHARGE syndrome. Last evaluated: 2019-11-06. Review status: criteria provided, single submitter. Criteria: Invitae Variant Classification Sherloc (09022015). Collection method: clinical testing. Allele origin: germline.
Comment: This sequence change replaces glutamic acid with lysine at codon 2674 of the CHD7 protein (p.Glu2674Lys). The glutamic acid residue is highly conserved and there is a small physicochemical difference between glutamic acid and lysine. This variant is not present in population databases (ExAC no frequency). This variant has not been reported in the literature in individuals with CHD7-related conditions. Algorithms developed to predict the effect of missense changes on protein structure and function (SIFT, PolyPhen-2, Align-GVGD) all suggest that this variant is likely to be tolerated, but these predictions have not been confirmed by published functional studies and their clinical significance is uncertain. In summary, the available evidence is currently insufficient to determine the role of this variant in disease. Therefore, it has been classified as a Variant of Uncertain Significance.